The following is an entry in ClinVar:

NM_024334.3(TMEM43):c.768C>A (p.Gly256=)

Gene: TMEM43 (transmembrane protein 43; plus strand). Cytogenetic location: 3p25.1.
Variant type: single nucleotide variant.
Coding change: c.768C>A on transcript NM_024334.3 (MANE Select); coding-DNA position 768, C replaced by A.
Protein change: p.Gly256=; no amino-acid change (glycine 256 retained).
Molecular consequence: synonymous variant.
Genome position (GRCh38, 1-based): chr3:14,135,220, C>A. VCF-style: chr3-14135220-C-A. GRCh37 (hg19) VCF-style: chr3-14176720-C-A.
Identifiers: ClinVar variation 920542 (VCV000920542.7), dbSNP rs955293392, ClinGen allele CA432552020.
Genomic context (GRCh38, chr3:14,135,220, plus strand): 5'-GGGAGACTTGCGTGTCTCCTTTTCCTATGCTGGACTGAGCGGCGATGACCCTGACCTGGG[C>A]CCAGCTCACGTGGTAACCTGGCTTCCCAGGGGCAGACACTAAGTCAGAGCCTCACGACTT-3'
Protein context (NP_077310.1, residues 246-266): AGLSGDDPDL[Gly256=]PAHVVTVIAR

ClinVar aggregate classification (germline): Likely benign. Review status: criteria provided, multiple submitters, no conflicts (2 of 4 stars). 4 submissions from 4 submitters: Likely benign (4). Last evaluated 2024-10-21.

Conditions:
Arrhythmogenic right ventricular dysplasia 5. Also called: Arrhythmogenic Right Ventricular Dysplasia/Cardiomyopathy 5; ARRHYTHMOGENIC RIGHT VENTRICULAR DYSPLASIA, FAMILIAL, 5. Identifiers: MedGen C1858379, MONDO:0011459, OMIM 604400.
Cardiovascular phenotype. Identifiers: MedGen CN230736.
Cardiomyopathy (CMYO). Also called: Cardiomyopathies. Identifiers: Orphanet 167848, MedGen C0878544, MONDO:0004994, HP:0001638. Inheritance: Various modes of inheritance.

Allele frequency attached by ClinVar (database versions not stated): gnomAD exomes below 0.00001 and 0.00001.
gnomAD v4.1: 4 of 1,612,224 alleles (0.00025%); highest among the groups gnomAD compares: Non-Finnish European, 0.00034%; no homozygotes.

Submissions (4):

Ambry Genetics
Classification: Likely benign for Cardiovascular phenotype. Last evaluated: 2024-10-21. Review status: criteria provided, single submitter. Criteria: Ambry Variant Classification Scheme 2023. Collection method: clinical testing. Allele origin: germline.

Labcorp Genetics (formerly Invitae), Labcorp
Classification: Likely benign for Arrhythmogenic right ventricular dysplasia 5. Last evaluated: 2024-01-16. Review status: criteria provided, single submitter. Criteria: Invitae Variant Classification Sherloc (09022015). Collection method: clinical testing. Allele origin: germline.

All of Us Research Program, National Institutes of Health
Classification: Likely benign for Arrhythmogenic right ventricular dysplasia 5. Last evaluated: 2023-09-17. Review status: criteria provided, single submitter. Criteria: ACMG Guidelines, 2015. Collection method: clinical testing. Allele origin: germline. Inheritance: Autosomal dominant inheritance. Observed: 5 variant alleles, 5 heterozygotes.
Comment: This study involves interpretation of variants in research participants for the purpose of population health screening. Participant phenotype was not available at the time of variant classification. Additional details can be found in publication PMID: 35346344, PMCID: PMC8962531

Color Diagnostics, LLC DBA Color Health
Classification: Likely benign for Cardiomyopathy. Last evaluated: 2018-10-30. Review status: criteria provided, single submitter. Criteria: ACMG Guidelines, 2015. Collection method: clinical testing. Allele origin: germline.